The following is an entry in ClinVar:

ClinVar aggregate classification (germline): Uncertain significance (1 of 4 stars; one submission).

Conditions:
Familial thoracic aortic aneurysm and aortic dissection (TAAD). Also called: Thoracic aortic aneurysms and dissections. Identifiers: Orphanet 91387, MedGen C4707243, MONDO:0019625.

Submission:

Color Diagnostics, LLC DBA Color Health
Classification: Uncertain significance for Familial thoracic aortic aneurysm and aortic dissection. Last evaluated: 2022-11-07. Review status: criteria provided, single submitter. Criteria: ACMG Guidelines, 2015. Collection method: clinical testing. Allele origin: germline.
Comment: This missense variant replaces glycine with arginine at codon 1532 of the FBN1 protein. Computational prediction suggests that this variant may have deleterious impact on protein structure and function (internally defined REVEL score threshold >= 0.7, PMID: 27666373). To our knowledge, functional studies have not been reported for this variant. This variant has not been reported in individuals affected with FBN1-related disorders in the literature. This variant has not been identified in the general population by the Genome Aggregation Database (gnomAD). The available evidence is insufficient to determine the role of this variant in disease conclusively. Therefore, this variant is classified as a Variant of Uncertain Significance.

NM_000138.5(FBN1):c.4594G>C (p.Gly1532Arg)

Gene: FBN1 (fibrillin 1; minus strand). Cytogenetic location: 15q21.1.
Variant type: single nucleotide variant.
Coding change: c.4594G>C on transcript NM_000138.5 (MANE Select); coding-DNA position 4594, G replaced by C.
Protein change: p.Gly1532Arg; replaces glycine 1532 with arginine.
Molecular consequence: missense variant.
Genome position (GRCh38, 1-based): chr15:48,468,091, C>G on the plus strand (G>C on the coding strand, the complement: FBN1 is on the minus strand). VCF-style: chr15-48468091-C-G. GRCh37 (hg19) VCF-style: chr15-48760288-C-G.
Other names: c.4594G>C, p.Gly1532Arg (NM_001406716.1); short protein forms G1532R.
Identifiers: ClinVar variation 2773342 (VCV002773342.2), dbSNP rs2505502026, ClinGen allele CA392353168.